The following is an entry in ClinVar:

ClinVar aggregate classification (germline): Uncertain significance (1 of 4 stars; one submission).

Conditions:
Gorlin syndrome. Also called: Basal cell nevus syndrome; Nevoid Basal Cell Carcinoma Syndrome. Identifiers: Orphanet 377, MedGen C0004779, MONDO:0007187.

Submission:

Labcorp Genetics (formerly Invitae), Labcorp
Classification: Uncertain significance for Gorlin syndrome. Last evaluated: 2021-04-04. Review status: criteria provided, single submitter. Criteria: Invitae Variant Classification Sherloc (09022015). Collection method: clinical testing. Allele origin: germline.
Comment: This sequence change replaces alanine with serine at codon 594 of the PTCH1 protein (p.Ala594Ser). The alanine residue is moderately conserved and there is a moderate physicochemical difference between alanine and serine. In summary, the available evidence is currently insufficient to determine the role of this variant in disease. Therefore, it has been classified as a Variant of Uncertain Significance. Advanced modeling of protein sequence and biophysical properties (such as structural, functional, and spatial information, amino acid conservation, physicochemical variation, residue mobility, and thermodynamic stability) performed at Invitae indicates that this missense variant is not expected to disrupt PTCH1 protein function. This variant has not been reported in the literature in individuals with PTCH1-related conditions. This variant is not present in population databases (ExAC no frequency).

NM_000264.5(PTCH1):c.1780G>T (p.Ala594Ser)

Genes: PTCH1 (patched 1; minus strand), LOC100507346 (uncharacterized LOC100507346; plus strand). Cytogenetic location: 9q22.32.
Variant type: single nucleotide variant.
Coding change: c.1780G>T on transcript NM_000264.5 (MANE Select); coding-DNA position 1780, G replaced by T.
Protein change: p.Ala594Ser; replaces alanine 594 with serine.
Molecular consequence: missense variant. On other transcripts: non-coding transcript variant (2).
Genome position (GRCh38, 1-based): chr9:95,469,880, C>A on the plus strand (G>T on the coding strand, the complement: PTCH1 is on the minus strand). VCF-style: chr9-95469880-C-A. GRCh37 (hg19) VCF-style: chr9-98232162-C-A.
Other names: c.1582G>T, p.Ala528Ser (NM_001083602.3); c.1777G>T, p.Ala593Ser (NM_001083603.3); c.1327G>T, p.Ala443Ser (NM_001083604.3, NM_001083605.3, NM_001083606.3 and 1 more transcripts); c.1624G>T, p.Ala542Ser (NM_001354918.2); short protein forms A528S, A542S, A594S, A443S, A593S.
Identifiers: ClinVar variation 1522884 (VCV001522884.8), dbSNP rs2118093961, ClinGen allele CA374116368.